The following is an entry in ClinVar:

ClinVar aggregate classification (germline): Conflicting classifications of pathogenicity. Review status: criteria provided, conflicting classifications (1 of 4 stars). 2 submissions from 2 submitters: Uncertain significance (1); Likely benign (1). Last evaluated 2025-08-07.

Allele frequency attached by ClinVar (database versions not stated): gnomAD 0.00021 and 0.00023; 1000 Genomes Project 0.00040; 1000 Genomes Project 30x 0.00047; gnomAD exomes 0.00002 and 0.00007; ExAC 0.00008; ESP Exome Variant Server 0.00008; TOPMed 0.00018.
gnomAD v4.1: 60 of 1,614,066 alleles (0.0037%); highest among the groups gnomAD compares: African/African-American, 0.063%; no homozygotes.

Submissions (2):

Labcorp Genetics (formerly Invitae), Labcorp
Classification: Uncertain significance. Last evaluated: 2025-08-07. Review status: criteria provided, single submitter. Criteria: Invitae Variant Classification Sherloc (09022015). Collection method: clinical testing. Allele origin: germline.
Comment: This sequence change replaces serine, which is neutral and polar, with asparagine, which is neutral and polar, at codon 1600 of the RP1 protein (p.Ser1600Asn). This variant is present in population databases (rs144852838, gnomAD 0.07%). This missense change has been observed in individual(s) with retinal dystrophy (PMID: 32579692). ClinVar contains an entry for this variant (Variation ID: 860154). An algorithm developed to predict the effect of missense changes on protein structure and function outputs the following: PolyPhen-2: "Benign". The asparagine amino acid residue is found in multiple mammalian species, which suggests that this missense change does not adversely affect protein function. In summary, the available evidence is currently insufficient to determine the role of this variant in disease. Therefore, it has been classified as a Variant of Uncertain Significance.

Blueprint Genetics
Classification: Likely benign. Last evaluated: 2022-11-07. Review status: criteria provided, single submitter. Criteria: ACMG Guidelines, 2015. Collection method: clinical testing. Allele origin: germline.

Literature cited by the submitters: PubMed 32579692 (cited by Labcorp Genetics (formerly Invitae), Labcorp).

NM_006269.2(RP1):c.4799G>A (p.Ser1600Asn)

Gene: RP1 (RP1 axonemal microtubule associated; plus strand). Cytogenetic location: 8q12.1.
Variant type: single nucleotide variant.
Coding change: c.4799G>A on transcript NM_006269.2 (MANE Select); coding-DNA position 4799, G replaced by A.
Protein change: p.Ser1600Asn; replaces serine 1600 with asparagine.
Molecular consequence: missense variant. On other transcripts: intron variant (1).
Genome position (GRCh38, 1-based): chr8:54,628,681, G>A. VCF-style: chr8-54628681-G-A. GRCh37 (hg19) VCF-style: chr8-55541241-G-A.
Other names: c.787+6393G>A (NM_001375654.1); short protein forms S1600N.
Identifiers: ClinVar variation 860154 (VCV000860154.11), dbSNP rs144852838, ClinGen allele CA4751950.